The following is an entry in ClinVar:

NM_005228.5(EGFR):c.2878A>G (p.Lys960Glu)

Gene: EGFR (epidermal growth factor receptor; plus strand). Cytogenetic location: 7p11.2.
Variant type: single nucleotide variant.
Coding change: c.2878A>G on transcript NM_005228.5 (MANE Select); coding-DNA position 2878, A replaced by G.
Protein change: p.Lys960Glu; replaces lysine 960 with glutamic acid.
Molecular consequence: missense variant.
Genome position (GRCh38, 1-based): chr7:55,200,345, A>G. VCF-style: chr7-55200345-A-G. GRCh37 (hg19) VCF-style: chr7-55268038-A-G.
Other names: c.2743A>G, p.Lys915Glu (NM_001346897.2, NM_001346899.2); c.2878A>G, p.Lys960Glu (NM_001346898.2); c.2719A>G, p.Lys907Glu (NM_001346900.2); c.2077A>G, p.Lys693Glu (NM_001346941.2); short protein forms K915E, K907E, K693E, K960E.
Identifiers: ClinVar variation 959915 (VCV000959915.10), dbSNP rs1359029869, ClinGen allele CA367581790.

ClinVar aggregate classification (germline): Uncertain significance. Review status: criteria provided, multiple submitters, no conflicts (2 of 4 stars). 2 submissions from 2 submitters: Uncertain significance (2). Last evaluated 2025-04-05.

Conditions:
Hereditary cancer-predisposing syndrome. Also called: Tumor predisposition; Hereditary neoplastic syndrome; Neoplastic Syndromes, Hereditary; Hereditary Cancer Syndrome. Identifiers: Orphanet 140162, MedGen C0027672, MeSH D009386, MONDO:0015356.
EGFR-related lung cancer (EGFR). Identifiers: MedGen CN130014.

Allele frequency attached by ClinVar (database versions not stated): gnomAD exomes below 0.00001 and 0.00001; gnomAD 0.00001.
gnomAD v4.1: 9 of 1,613,980 alleles (0.00056%); highest among the groups gnomAD compares: African/African-American, 0.004%; no homozygotes.

Submissions (2):

Ambry Genetics
Classification: Uncertain significance for Hereditary cancer-predisposing syndrome. Last evaluated: 2025-04-05. Review status: criteria provided, single submitter. Criteria: Ambry Variant Classification Scheme 2023. Collection method: clinical testing. Allele origin: germline.
Comment: The p.K960E variant (also known as c.2878A>G), located in coding exon 24 of the EGFR gene, results from an A to G substitution at nucleotide position 2878. The lysine at codon 960 is replaced by glutamic acid, an amino acid with similar properties. This amino acid position is conserved. In addition, the in silico prediction for this alteration is inconclusive. Based on the available evidence, the clinical significance of this variant remains unclear.

Labcorp Genetics (formerly Invitae), Labcorp
Classification: Uncertain significance for EGFR-related lung cancer. Last evaluated: 2024-04-29. Review status: criteria provided, single submitter. Criteria: Invitae Variant Classification Sherloc (09022015). Collection method: clinical testing. Allele origin: germline.
Comment: This sequence change replaces lysine, which is basic and polar, with glutamic acid, which is acidic and polar, at codon 960 of the EGFR protein (p.Lys960Glu). This variant is present in population databases (no rsID available, gnomAD 0.007%). This variant has not been reported in the literature in individuals affected with EGFR-related conditions. ClinVar contains an entry for this variant (Variation ID: 959915). Advanced modeling of protein sequence and biophysical properties (such as structural, functional, and spatial information, amino acid conservation, physicochemical variation, residue mobility, and thermodynamic stability) performed at Invitae indicates that this missense variant is not expected to disrupt EGFR protein function with a negative predictive value of 80%. In summary, the available evidence is currently insufficient to determine the role of this variant in disease. Therefore, it has been classified as a Variant of Uncertain Significance.